The following is an entry in ClinVar:

ClinVar aggregate classification (germline): Likely benign (1 of 4 stars; one submission).

Conditions:
PCNT-related disorder. Also called: PCNT-related condition.

gnomAD v4.1: 29 of 1,614,044 alleles (0.0018%); highest among the groups gnomAD compares: Non-Finnish European, 0.002%; no homozygotes.

Submission:

PreventionGenetics, part of Exact Sciences
Classification: Likely benign for PCNT-related condition. Last evaluated: 2024-11-27. Review status: criteria provided, single submitter. Criteria: ACMG Guidelines, 2015. Collection method: clinical testing. Allele origin: germline.
Comment: This variant is classified as likely benign based on ACMG/AMP sequence variant interpretation guidelines (Richards et al. 2015 PMID: 25741868, with internal and published modifications).

NM_006031.6(PCNT):c.2305T>C (p.Leu769=)

Gene: PCNT (pericentrin; plus strand). Cytogenetic location: 21q22.3.
Variant type: single nucleotide variant.
Coding change: c.2305T>C on transcript NM_006031.6 (MANE Select); coding-DNA position 2305, T replaced by C.
Protein change: p.Leu769=; no amino-acid change (leucine 769 retained).
Molecular consequence: synonymous variant.
Genome position (GRCh38, 1-based): chr21:46,363,630, T>C. VCF-style: chr21-46363630-T-C. GRCh37 (hg19) VCF-style: chr21-47783545-T-C.
Other names: c.1951T>C, p.Leu651= (NM_001315529.2).
Identifiers: ClinVar variation 4987669 (VCV004987669.1).